The following is an entry in ClinVar:

ClinVar aggregate classification (germline): Uncertain significance. Review status: criteria provided, multiple submitters, no conflicts (2 of 4 stars). 2 submissions from 2 submitters: Uncertain significance (2). Last evaluated 2023-11-20.

Conditions:
Hereditary nonpolyposis colorectal neoplasms. Identifiers: MedGen C0009405, MeSH D003123.
Hereditary cancer-predisposing syndrome. Also called: Neoplastic Syndromes, Hereditary; Tumor predisposition; Hereditary Cancer Syndrome; Hereditary neoplastic syndrome. Identifiers: Orphanet 140162, MedGen C0027672, MeSH D009386, MONDO:0015356.

Allele frequency attached by ClinVar (database versions not stated): TOPMed below 0.00001; gnomAD 0.00001.
gnomAD v4.1: 1 of 1,613,952 alleles (0.000062%); highest among the groups gnomAD compares: Non-Finnish European, 0.000085%; no homozygotes.

Submissions (2):

Ambry Genetics
Classification: Uncertain significance for Hereditary cancer-predisposing syndrome. Last evaluated: 2023-11-20. Review status: criteria provided, single submitter. Criteria: Ambry Variant Classification Scheme 2023. Collection method: clinical testing. Allele origin: germline.
Comment: The p.V801M variant (also known as c.2401G>A), located in coding exon 4 of the MSH6 gene, results from a G to A substitution at nucleotide position 2401. The valine at codon 801 is replaced by methionine, an amino acid with highly similar properties. This amino acid position is not well conserved in available vertebrate species. In addition, this alteration is predicted to be tolerated by in silico analysis. Since supporting evidence is limited at this time, the clinical significance of this alteration remains unclear.

Labcorp Genetics (formerly Invitae), Labcorp
Classification: Uncertain significance for Hereditary nonpolyposis colorectal neoplasms. Last evaluated: 2021-09-30. Review status: criteria provided, single submitter. Criteria: Invitae Variant Classification Sherloc (09022015). Collection method: clinical testing. Allele origin: germline.
Comment: In summary, the available evidence is currently insufficient to determine the role of this variant in disease. Therefore, it has been classified as a Variant of Uncertain Significance. Algorithms developed to predict the effect of missense changes on protein structure and function are either unavailable or do not agree on the potential impact of this missense change (SIFT: "Tolerated"; PolyPhen-2: "Possibly Damaging"; Align-GVGD: "Class C0"). This variant has not been reported in the literature in individuals affected with MSH6-related conditions. This variant is not present in population databases (ExAC no frequency). This sequence change replaces valine with methionine at codon 801 of the MSH6 protein (p.Val801Met). The valine residue is moderately conserved and there is a small physicochemical difference between valine and methionine.

NM_000179.3(MSH6):c.2401G>A (p.Val801Met)

Gene: MSH6 (mutS homolog 6; plus strand). Cytogenetic location: 2p16.3.
Variant type: single nucleotide variant.
Coding change: c.2401G>A on transcript NM_000179.3 (MANE Select); coding-DNA position 2401, G replaced by A.
Protein change: p.Val801Met; replaces valine 801 with methionine.
Molecular consequence: missense variant.
Genome position (GRCh38, 1-based): chr2:47,800,384, G>A. VCF-style: chr2-47800384-G-A. GRCh37 (hg19) VCF-style: chr2-48027523-G-A.
Other names: c.2011G>A, p.Val671Met (NM_001281492.2); c.1495G>A, p.Val499Met (NM_001281493.2, NM_001281494.2); short protein forms V801M, V499M, V671M.
Identifiers: ClinVar variation 525637 (VCV000525637.11), dbSNP rs1265121267, ClinGen allele CA346753926.